The following is an entry in ClinVar:

ClinVar aggregate classification (germline): Uncertain significance (1 of 4 stars; one submission).

Allele frequency attached by ClinVar (database versions not stated): gnomAD exomes below 0.00001.
gnomAD v4.1: 1 of 1,613,746 alleles (0.000062%); highest among the groups gnomAD compares: South Asian, 0.0011%; no homozygotes.

Submission:

Ambry Genetics
Classification: Uncertain significance. Last evaluated: 2022-07-06. Review status: criteria provided, single submitter. Criteria: Ambry Variant Classification Scheme 2023. Collection method: clinical testing. Allele origin: germline.
Comment: The p.E585K variant (also known as c.1753G>A), located in coding exon 10 of the PKP4 gene, results from a G to A substitution at nucleotide position 1753. The glutamic acid at codon 585 is replaced by lysine, an amino acid with similar properties. This amino acid position is conserved. In addition, the in silico prediction for this alteration is inconclusive. Since supporting evidence is limited at this time, the clinical significance of this alteration remains unclear.

NM_003628.6(PKP4):c.1753G>A (p.Glu585Lys)

Gene: PKP4 (plakophilin 4; plus strand). Cytogenetic location: 2q24.1.
Variant type: single nucleotide variant.
Coding change: c.1753G>A on transcript NM_003628.6 (MANE Select); coding-DNA position 1753, G replaced by A.
Protein change: p.Glu585Lys; replaces glutamic acid 585 with lysine.
Molecular consequence: missense variant.
Genome position (GRCh38, 1-based): chr2:158,642,543, G>A. VCF-style: chr2-158642543-G-A. GRCh37 (hg19) VCF-style: chr2-159499055-G-A.
Other names: c.1753G>A, p.Glu585Lys (NM_001005476.4, NM_001304971.2, NM_001377218.1 and 1 more transcripts); c.1750G>A, p.Glu584Lys (NM_001304969.3, NM_001377219.1, NM_001377220.1 and 2 more transcripts); c.724G>A, p.Glu242Lys (NM_001304970.3); c.1747G>A, p.Glu583Lys (NM_001377222.1, NM_001377223.1); c.1744G>A, p.Glu582Lys (NM_001377224.1); short protein forms E583K, E584K, E585K, E242K, E582K.
Identifiers: ClinVar variation 1779433 (VCV001779433.2), dbSNP rs2529702115, ClinGen allele CA348912657.